The following is an entry in ClinVar:

ClinVar aggregate classification (germline): Pathogenic. Review status: criteria provided, multiple submitters, no conflicts (2 of 4 stars). 12 submissions from 11 submitters: Pathogenic (9). 3 of the submissions do not count toward it. Last evaluated 2025-05-20.

Conditions:
Becker muscular dystrophy, Cardiomyopathy, Duchenne muscular dystrophy, Dystrophin deficiency.
Duchenne muscular dystrophy (DMD). Also called: MUSCULAR DYSTROPHY, PSEUDOHYPERTROPHIC PROGRESSIVE, DUCHENNE TYPE; Duchenne Muscular Dystrophy (DMD). Identifiers: Orphanet 98896, MedGen C0013264, MONDO:0010679, OMIM 310200.
Dilated cardiomyopathy 3B (CMD3B). Also called: CMD3B: DMD-Related Dilated Cardiomyopathy; CARDIOMYOPATHY, DILATED, X-LINKED; DMD-Associated Dilated Cardiomyopathy. Identifiers: Orphanet 154, MedGen C3668940, MONDO:0010542, OMIM 302045.
Becker muscular dystrophy (BMD). Also called: MUSCULAR DYSTROPHY, PSEUDOHYPERTROPHIC PROGRESSIVE, BECKER TYPE; Becker Muscular Dystrophy (BMD). Identifiers: Orphanet 98895, MedGen C0917713, MONDO:0010311, OMIM 300376.

Submissions (12):

Revvity Omics, Revvity
Classification: Pathogenic. Last evaluated: 2025-05-20. Review status: criteria provided, single submitter. Criteria: ACMG Guidelines, 2015. Collection method: clinical testing. Allele origin: germline.

Labcorp Genetics (formerly Invitae), Labcorp
Classification: Pathogenic for Duchenne muscular dystrophy. Last evaluated: 2025-03-30. Review status: criteria provided, single submitter. Criteria: Invitae Variant Classification Sherloc (09022015). Collection method: clinical testing. Allele origin: germline.
Comment: This sequence change creates a premature translational stop signal (p.Arg3370*) in the DMD gene. It is expected to result in an absent or disrupted protein product. Loss-of-function variants in DMD are known to be pathogenic (PMID: 16770791, 25007885). This variant is not present in population databases (gnomAD no frequency). This premature translational stop signal has been observed in individuals with Duchenne muscular dystrophy (PMID: 1549596, 15351422, 18583217, 18652600, 19367636, 21396098, 21525508, 25612904). ClinVar contains an entry for this variant (Variation ID: 11213). For these reasons, this variant has been classified as Pathogenic.

Fulgent Genetics
Classification: Pathogenic for Becker muscular dystrophy; Dilated cardiomyopathy 3B; Duchenne muscular dystrophy. Last evaluated: 2024-06-19. Review status: criteria provided, single submitter. Criteria: ACMG Guidelines, 2015. Collection method: clinical testing. Allele origin: germline.

Natera, Inc.
Classification: Pathogenic for Becker muscular dystrophy, Cardiomyopathy, Duchenne muscular dystrophy, Dystrophin deficiency. Last evaluated: 2024-06-14. Review status: criteria provided, single submitter. Criteria: Natera Variant Classification Schema (03/2026). Collection method: clinical testing. Allele origin: germline.
Comment: The c.10108C>T variant in DMD is a nonsense variant predicted to introduce a stop codon at amino acid 3370. This variant is expected to result in nonsense mediated decay, truncation, or a dysfunctional protein product. This variant is rare in the general population with a frequency below the threshold expected for the associated phenotype(s). This variant has been observed in affected individual(s) with monoallelic occurrence (heterozygous/hemizygous) (PMID: 17259292, 19783145, 18583217). Given the available evidence, this variant is classified as Pathogenic.

Greenwood Genetic Center Diagnostic Laboratories, Greenwood Genetic Center
Classification: Pathogenic for Duchenne muscular dystrophy. Last evaluated: 2023-07-13. Review status: criteria provided, single submitter. Criteria: ACMG Guidelines, 2015. Collection method: clinical testing. Allele origin: germline. Affected: yes.
Comment: PVS1, PS4, PM2

Laboratory of Medical Genetics, National & Kapodistrian University of Athens
Classification: Pathogenic for Duchenne muscular dystrophy. Last evaluated: 2022-12-16. Review status: criteria provided, single submitter. Criteria: ACMG Guidelines, 2015. Collection method: clinical testing. Allele origin: germline. Affected: yes.
Comment: PVS1, PM2, PP5

Athena Diagnostics
Classification: Pathogenic. Last evaluated: 2022-11-04. Review status: criteria provided, single submitter. Criteria: Athena Diagnostics Criteria. Collection method: clinical testing. Allele origin: unknown.
Comment: This variant is expected to result in the loss of a functional protein. This variant has been identified in at least one individual with clinical features of DMD. This variant has not been reported in large, multi-ethnic general populations.

GeneDx
Classification: Pathogenic. Last evaluated: 2019-07-11. Review status: criteria provided, single submitter. Criteria: GeneDx Variant Classification Process June 2021. Collection method: clinical testing. Allele origin: germline. Affected: yes.
Comment: Reported previously in association with dystrophinopathy, most often with Duchenne muscular dystrophy (Roberts et al., 1992; Tuffery-Giraud et al., 2004; Nishiyama et al., 2008; Aartsma-Rus et al., 200; Patient with DMD who harbored this variant had muscle biopsy with decreased or absent dystrophin staining (Tuffery-Giraud et al., 2004); Nonsense variant predicted to result in protein truncation or nonsense mediated decay in a gene for which loss-of-function is a known mechanism of disease; Not observed in large population cohorts (Lek et al., 2016); Based on the understanding of this genetic alteration, it may be amenable to nonsense read-through therapy that is currently available or in clinical trial; This variant is associated with the following publications: (PMID: 18583217, 25525159, 1549596, 18652600, 29604111, 30342905, 27593222, 27363342, 15351422, 32528171)

Eurofins Ntd Llc (ga)
Classification: Pathogenic. Last evaluated: 2017-03-30. Review status: criteria provided, single submitter. Criteria: EGL Classification Definitions 2015. Collection method: clinical testing. Allele origin: germline. Observed: 17 variant alleles, 5 heterozygotes, 12 hemizygotes.

Clinical Molecular Genetics Laboratory, Johns Hopkins All Children's Hospital
Classification: Pathogenic for Duchenne muscular dystrophy. Last evaluated: 2014-04-14. Review status: no assertion criteria provided. Collection method: clinical testing. Allele origin: germline. Affected: yes. Not counted in ClinVar's aggregate classification.

Clinical Molecular Genetics Laboratory, Johns Hopkins All Children's Hospital
Classification: Pathogenic for Becker muscular dystrophy. Last evaluated: 2014-04-14. Review status: no assertion criteria provided. Collection method: clinical testing. Allele origin: germline. Affected: yes. Not counted in ClinVar's aggregate classification.

OMIM
Classification: Pathogenic for DUCHENNE MUSCULAR DYSTROPHY. Last evaluated: 1992-03-15. Review status: no assertion criteria provided. Collection method: literature only. Allele origin: germline. Not counted in ClinVar's aggregate classification.

Literature cited by the submitters: PubMed 16770791 (cited by Labcorp Genetics (formerly Invitae), Labcorp); PubMed 25007885 (cited by Labcorp Genetics (formerly Invitae), Labcorp); PubMed 1549596 (cited by 3 submitters); PubMed 15351422 (cited by Labcorp Genetics (formerly Invitae), Labcorp and Athena Diagnostics); PubMed 18583217 (cited by 3 submitters); PubMed 18652600 (cited by Labcorp Genetics (formerly Invitae), Labcorp and Athena Diagnostics); PubMed 19367636 (cited by Labcorp Genetics (formerly Invitae), Labcorp and Athena Diagnostics); PubMed 21396098 (cited by Labcorp Genetics (formerly Invitae), Labcorp and Athena Diagnostics); PubMed 21525508 (cited by Labcorp Genetics (formerly Invitae), Labcorp); PubMed 25612904 (cited by Labcorp Genetics (formerly Invitae), Labcorp and Athena Diagnostics); PubMed 17259292 (cited by Natera, Inc.); PubMed 19783145 (cited by Natera, Inc.); PubMed 19602481 (cited by Athena Diagnostics); PubMed 20485447 (cited by Athena Diagnostics); PubMed 27593222 (cited by Athena Diagnostics); PubMed 27363342 (cited by Athena Diagnostics); PubMed 32528171 (cited by Athena Diagnostics); PubMed 34297739 (cited by Athena Diagnostics); PubMed 33773883 (cited by Athena Diagnostics).

NM_004006.3(DMD):c.10108C>T (p.Arg3370Ter)

Gene: DMD (dystrophin; minus strand). Cytogenetic location: Xp21.2.
Variant type: single nucleotide variant.
Coding change: c.10108C>T on transcript NM_004006.3 (MANE Select); coding-DNA position 10108, C replaced by T.
Protein change: p.Arg3370Ter; replaces arginine 3370 with a stop codon.
Molecular consequence: nonsense.
Genome position (GRCh38, 1-based): chrX:31,178,784, G>A on the plus strand (C>T on the coding strand, the complement: DMD is on the minus strand). VCF-style: chrX-31178784-G-A. GRCh37 (hg19) VCF-style: chrX-31196901-G-A.
Other names: NP_003997.1:p.Arg3370*; c.10084C>T, p.Arg3362Ter (NM_000109.4); c.10096C>T, p.Arg3366Ter (NM_004009.3); c.9739C>T, p.Arg3247Ter (NM_004010.3); c.6085C>T, p.Arg2029Ter (NM_004011.4); c.6076C>T, p.Arg2026Ter (NM_004012.4); c.2728C>T, p.Arg910Ter (NM_004013.3, NM_004020.4, NM_004021.3 and 2 more transcripts); c.1921C>T, p.Arg641Ter (NM_004014.3); and 1 more; short protein forms R3370*, R3362*, R2026*, R910*, R641*, R2029*, R302*, R3247*.
Identifiers: ClinVar variation 11213 (VCV000011213.27), dbSNP rs104894787, ClinGen allele CA273073.